The following is an entry in ClinVar:

ClinVar aggregate classification (germline): Uncertain significance. Review status: criteria provided, multiple submitters, no conflicts (2 of 4 stars). 2 submissions from 2 submitters: Uncertain significance (2). Last evaluated 2025-08-18.

Conditions:
Congenital myasthenic syndrome 18. Also called: MYASTHENIC SYNDROME, CONGENITAL, 18, WITH INTELLECTUAL DISABILITY AND ATAXIA. Identifiers: Orphanet 590, MedGen C4225364, MONDO:0014590, OMIM 616330.

Allele frequency attached by ClinVar (database versions not stated): ExAC 0.00004; gnomAD 0.00006 and 0.00007; ESP Exome Variant Server 0.00008; TOPMed 0.00008.
gnomAD v4.1: 18 of 1,605,980 alleles (0.0011%); highest among the groups gnomAD compares: African/African-American, 0.015%; no homozygotes.

Submissions (2):

Labcorp Genetics (formerly Invitae), Labcorp
Classification: Uncertain significance for Congenital myasthenic syndrome 18. Last evaluated: 2025-08-18. Review status: criteria provided, single submitter. Criteria: Invitae Variant Classification Sherloc (09022015). Collection method: clinical testing. Allele origin: germline.
Comment: This sequence change replaces arginine, which is basic and polar, with histidine, which is basic and polar, at codon 8 of the SNAP25 protein (p.Arg8His). The frequency data for this variant in the population databases is considered unreliable, as metrics indicate poor data quality at this position in the gnomAD database. This variant has not been reported in the literature in individuals affected with SNAP25-related conditions. ClinVar contains an entry for this variant (Variation ID: 1360397). An algorithm developed to predict the effect of missense changes on protein structure and function (PolyPhen-2) suggests that this variant is likely to be disruptive. In summary, the available evidence is currently insufficient to determine the role of this variant in disease. Therefore, it has been classified as a Variant of Uncertain Significance.

Women's Health and Genetics/Laboratory Corporation of America, LabCorp
Classification: Uncertain significance. Last evaluated: 2024-09-11. Review status: criteria provided, single submitter. Criteria: LabCorp Variant Classification Summary - May 2015. Collection method: clinical testing. Allele origin: germline.
Comment: Variant summary: SNAP25 c.23G>A (p.Arg8His) results in a non-conservative amino acid change in the encoded protein sequence. Three of five in-silico tools predict a damaging effect of the variant on protein function. The variant allele was found at a frequency of 2.1e-05 in 240598 control chromosomes. The available data on variant occurrences in the general population are insufficient to allow any conclusion about variant significance. To our knowledge, no occurrence of c.23G>A in individuals affected with Congenital Myasthenic Syndrome 18 and no experimental evidence demonstrating its impact on protein function have been reported. ClinVar contains an entry for this variant (Variation ID: 1360397). Based on the evidence outlined above, the variant was classified as uncertain significance.

NM_130811.4(SNAP25):c.23G>A (p.Arg8His)

Gene: SNAP25 (synaptosome associated protein 25; plus strand). Cytogenetic location: 20p12.2.
Variant type: single nucleotide variant.
Coding change: c.23G>A on transcript NM_130811.4 (MANE Select); coding-DNA position 23, G replaced by A.
Protein change: p.Arg8His; replaces arginine 8 with histidine.
Molecular consequence: missense variant.
Genome position (GRCh38, 1-based): chr20:10,275,514, G>A. VCF-style: chr20-10275514-G-A. GRCh37 (hg19) VCF-style: chr20-10256162-G-A.
Other names: c.23G>A, p.Arg8His (NM_001322902.2, NM_001322903.2, NM_001322904.2 and 7 more transcripts); short protein forms R8H.
Identifiers: ClinVar variation 1360397 (VCV001360397.9), dbSNP rs374115269, ClinGen allele CA9763241.